The following is an entry in ClinVar:

ClinVar aggregate classification (germline): Pathogenic (3 of 4 stars; one submission).

Conditions:
Breast-ovarian cancer, familial, susceptibility to, 1 (BROVCA1). Also called: BRCA1 Hereditary Breast and Ovarian Cancer; OVARIAN CANCER, SUSCEPTIBILITY TO. Identifiers: Orphanet 145, MedGen C2676676, MONDO:0011450, OMIM 604370. Disease mechanism: loss of function.

Submission:

Evidence-based Network for the Interpretation of Germline Mutant Alleles (ENIGMA)
Classification: Pathogenic for Breast-ovarian cancer, familial, susceptibility to, 1. Last evaluated: 2017-12-15. Review status: reviewed by expert panel. Criteria: ENIGMA BRCA1/2 Classification Criteria (2017-06-29). Collection method: curation. Allele origin: germline. Study: ENIGMA.
Comment: Variant allele predicted to encode a truncated non-functional protein.

NM_007294.4(BRCA1):c.4697_4698insA (p.Gly1567fs)

Gene: BRCA1 (BRCA1 DNA repair associated; minus strand). Cytogenetic location: 17q21.31.
Variant type: Insertion.
Coding change: c.4697_4698insA on transcript NM_007294.4 (MANE Select); coding-DNA positions 4697 to 4698, A inserted.
Protein change: p.Gly1567fs; shifts the reading frame from glycine 1567.
Molecular consequence: frameshift variant. On other transcripts: non-coding transcript variant (1).
Genome position: GRCh38 VCF-style: chr17-43071216-A-AT. GRCh37 (hg19) VCF-style: chr17-41223233-A-AT.
Other names: c.4484_4485insA, p.Gly1496Trpfs (NM_001407571.1, NM_001407894.1, NM_001407895.1 and 12 more transcripts); c.4763_4764insA, p.Gly1589Trpfs (NM_001407581.1, NM_001407582.1); c.4760_4761insA, p.Gly1588Trpfs (NM_001407583.1, NM_001407585.1, NM_001407587.1); c.4757_4758insA, p.Gly1587Trpfs (NM_001407590.1, NM_001407591.1); c.4697_4698insA, p.Gly1567Trpfs (NM_001407593.1, NM_001407594.1, NM_001407596.1 and 8 more transcripts); c.4694_4695insA, p.Gly1566Trpfs (NM_001407610.1, NM_001407611.1, NM_001407612.1 and 17 more transcripts); c.4691_4692insA, p.Gly1565Trpfs (NM_001407627.1, NM_001407628.1, NM_001407629.1 and 14 more transcripts); c.4688_4689insA, p.Gly1564Trpfs (NM_001407644.1, NM_001407645.1); and 73 more; short protein forms G1588fs, G1520fs, G1567fs, G463fs.
Identifiers: ClinVar variation 548276 (VCV000548276.2), dbSNP rs1555581078, ClinGen allele CA658825009.